The following is an entry in ClinVar:

ClinVar aggregate classification (germline): Likely benign (1 of 4 stars; one submission).

Allele frequency attached by ClinVar (database versions not stated): 1000 Genomes Project 0.00859; 1000 Genomes Project 30x 0.00968; TOPMed 0.01200; gnomAD 0.01229 and 0.01263.
gnomAD v4.1: 1,937 of 152,310 alleles (1.3%); highest among the groups gnomAD compares: Middle Eastern, 3.7%; 22 homozygotes.

Submission:

GeneDx
Classification: Likely benign. Last evaluated: 2018-06-19. Review status: criteria provided, single submitter. Criteria: GeneDx Variant Classification (06012015). Collection method: clinical testing. Allele origin: germline. Affected: yes.
Comment: This variant is considered likely benign or benign based on one or more of the following criteria: it is a conservative change, it occurs at a poorly conserved position in the protein, it is predicted to be benign by multiple in silico algorithms, and/or has population frequency not consistent with disease.

NM_001457.4(FLNB):c.5426-236C>T

Gene: FLNB (filamin B; plus strand). Cytogenetic location: 3p14.3.
Variant type: single nucleotide variant.
Coding change: c.5426-236C>T on transcript NM_001457.4 (MANE Select); 236 bases into the intron before coding-DNA position 5426, C replaced by T.
Molecular consequence: intron variant.
Genome position (GRCh38, 1-based): chr3:58,145,685, C>T. VCF-style: chr3-58145685-C-T. GRCh37 (hg19) VCF-style: chr3-58131412-C-T.
Other names: c.5519-236C>T (NM_001164317.2); c.5393-236C>T (NM_001164318.2); c.5354-236C>T (NM_001164319.2).
Identifiers: ClinVar variation 673971 (VCV000673971.1), dbSNP rs79747308, ClinGen allele CA75467210.